The following is an entry in ClinVar:

NM_001009944.3(PKD1):c.8609G>A (p.Arg2870His)

Gene: PKD1 (polycystin 1, transient receptor potential channel interacting; minus strand). Cytogenetic location: 16p13.3.
Variant type: single nucleotide variant.
Coding change: c.8609G>A on transcript NM_001009944.3 (MANE Select); coding-DNA position 8609, G replaced by A.
Protein change: p.Arg2870His; replaces arginine 2870 with histidine.
Molecular consequence: missense variant.
Genome position (GRCh38, 1-based): chr16:2,103,448, C>T on the plus strand (G>A on the coding strand, the complement: PKD1 is on the minus strand). VCF-style: chr16-2103448-C-T. GRCh37 (hg19) VCF-style: chr16-2153449-C-T.
Other names: c.8609G>A (NM_000296.3); c.8609G>A, p.Arg2870His (NM_000296.4); short protein forms R2870H.
Identifiers: ClinVar variation 1301467 (VCV001301467.8), dbSNP rs200763681, ClinGen allele CA7830454.

ClinVar aggregate classification (germline): Conflicting classifications of pathogenicity. Review status: criteria provided, conflicting classifications (1 of 4 stars). 5 submissions from 5 submitters: Uncertain significance (1); Likely benign (3). 1 of the submissions does not count toward it. Last evaluated 2024-11-05.

Conditions:
PKD1-related disorder. Also called: PKD1-related condition.
Inborn genetic diseases. Identifiers: MedGen C0950123, MeSH D030342.
Polycystic kidney disease, adult type (PKD1). Also called: Polycystic Kidney Disease 1, Autosomal Dominant; Polycystic kidney disease 1; Polycystic kidney disease 1, severe; Polycystic Kidney, Autosomal Dominant; POLYCYSTIC KIDNEY DISEASE 1 WITH OR WITHOUT POLYCYSTIC LIVER DISEASE; POLYCYSTIC KIDNEY DISEASE, ADULT, TYPE I. Identifiers: MedGen C3149841, MONDO:0008263, OMIM 173900.

Allele frequency attached by ClinVar (database versions not stated): ESP Exome Variant Server 0.00009; gnomAD exomes 0.00016 and 0.00027; TOPMed 0.00018; gnomAD 0.00022 and 0.00025; ExAC 0.00036.
gnomAD v4.1: 265 of 1,599,232 alleles (0.017%); highest among the groups gnomAD compares: African/African-American, 0.019%; no homozygotes.

Submissions (5):

Blueprint Genetics
Classification: Likely benign. Last evaluated: 2024-11-05. Review status: criteria provided, single submitter. Criteria: ACMG Guidelines, 2015. Collection method: clinical testing. Allele origin: germline.

Ambry Genetics
Classification: Uncertain significance for Inborn genetic diseases. Last evaluated: 2022-09-22. Review status: criteria provided, single submitter. Criteria: Ambry Variant Classification Scheme 2023. Collection method: clinical testing. Allele origin: germline.

Department of Pathology and Laboratory Medicine, Sinai Health System
Classification: Likely benign for Polycystic kidney disease, adult type. Last evaluated: 2022-06-29. Review status: criteria provided, single submitter. Criteria: ACMG Guidelines, 2015. Collection method: clinical testing. Allele origin: germline. Affected: yes.

GeneDx
Classification: Likely benign. Last evaluated: 2021-04-02. Review status: criteria provided, single submitter. Criteria: GeneDx Variant Classification Process June 2021. Collection method: clinical testing. Allele origin: germline. Affected: yes.

PreventionGenetics, part of Exact Sciences
Classification: Likely benign for PKD1-related condition. Last evaluated: 2022-06-01. Review status: no assertion criteria provided. Collection method: clinical testing. Allele origin: germline. Not counted in ClinVar's aggregate classification.
Comment: This variant is classified as likely benign based on ACMG/AMP sequence variant interpretation guidelines (Richards et al. 2015 PMID: 25741868, with internal and published modifications).